The following is an entry in ClinVar:

ClinVar aggregate classification (germline): Uncertain significance (1 of 4 stars; one submission).

Submission:

Mayo Clinic Laboratories, Mayo Clinic
Classification: Uncertain significance. Last evaluated: 2025-04-30. Review status: criteria provided, single submitter. Criteria: ACMG Guidelines, 2015. Collection method: clinical testing. Allele origin: germline. Observed: 1 variant allele.
Comment: BP4_moderate

NM_173543.3(DZIP1L):c.413G>T (p.Gly138Val)

Gene: DZIP1L (DAZ interacting zinc finger protein 1 like; minus strand). Cytogenetic location: 3q22.3.
Variant type: single nucleotide variant.
Coding change: c.413G>T on transcript NM_173543.3 (MANE Select); coding-DNA position 413, G replaced by T.
Protein change: p.Gly138Val; replaces glycine 138 with valine.
Molecular consequence: missense variant.
Genome position (GRCh38, 1-based): chr3:138,103,559, C>A on the plus strand (G>T on the coding strand, the complement: DZIP1L is on the minus strand). VCF-style: chr3-138103559-C-A. GRCh37 (hg19) VCF-style: chr3-137822401-C-A.
Other names: p.Gly138Val; c.413G>T, p.Gly138Val (NM_001170538.1); short protein forms G138V.
Identifiers: ClinVar variation 4540929 (VCV004540929.1).